The following is an entry in ClinVar:

NM_182914.3(SYNE2):c.18264C>T (p.Asp6088=)

Gene: SYNE2 (spectrin repeat containing nuclear envelope protein 2; plus strand). Cytogenetic location: 14q23.2.
Variant type: single nucleotide variant.
Coding change: c.18264C>T on transcript NM_182914.3 (MANE Select); coding-DNA position 18264, C replaced by T.
Protein change: p.Asp6088=; no amino-acid change (aspartic acid 6088 retained).
Molecular consequence: synonymous variant.
Genome position (GRCh38, 1-based): chr14:64,208,820, C>T. VCF-style: chr14-64208820-C-T. GRCh37 (hg19) VCF-style: chr14-64675538-C-T.
Other names: c.18264C>T, p.Asp6088= (NM_015180.6).
Identifiers: ClinVar variation 283668 (VCV000283668.16), dbSNP rs182985921, ClinGen allele CA7224025.

ClinVar aggregate classification (germline): Conflicting classifications of pathogenicity. Review status: criteria provided, conflicting classifications (1 of 4 stars). 3 submissions from 3 submitters: Uncertain significance (1); Benign (2). Last evaluated 2025-10-23.

Conditions:
Emery-Dreifuss muscular dystrophy 5, autosomal dominant (EDMD5). Also called: EMERY-DREIFUSS MUSCULAR DYSTROPHY 5. Identifiers: Orphanet 261, MedGen C2751805, MONDO:0013072, OMIM 612999.

Allele frequency attached by ClinVar (database versions not stated): gnomAD 0.00008 and 0.00010; gnomAD exomes 0.00009 and 0.00016; TOPMed 0.00012; ExAC 0.00018; 1000 Genomes Project 30x 0.00047; 1000 Genomes Project 0.00060.
gnomAD v4.1: 151 of 1,614,210 alleles (0.0094%); highest among the groups gnomAD compares: East Asian, 0.27%; 1 homozygote.

Submissions (3):

Labcorp Genetics (formerly Invitae), Labcorp
Classification: Benign for Emery-Dreifuss muscular dystrophy 5, autosomal dominant. Last evaluated: 2025-10-23. Review status: criteria provided, single submitter. Criteria: Invitae Variant Classification Sherloc (09022015). Collection method: clinical testing. Allele origin: germline.

Illumina Laboratory Services, Illumina
Classification: Benign for Emery-Dreifuss muscular dystrophy 5, autosomal dominant. Last evaluated: 2018-01-13. Review status: criteria provided, single submitter. Criteria: ICSL Variant Classification Criteria 13 December 2019. Collection method: clinical testing. Allele origin: germline.
Comment: This variant was observed in the ICSL laboratory as part of a predisposition screen in an ostensibly healthy population. It had not been previously curated by ICSL or reported in the Human Gene Mutation Database (HGMD: prior to June 1st, 2018), and was therefore a candidate for classification through an automated scoring system. Utilizing variant allele frequency, disease prevalence and penetrance estimates, and inheritance mode, an automated score was calculated to assess if this variant is too frequent to cause the disease. Based on the score and internal cut-off values, a variant classified as benign is not then subjected to further curation. The score for this variant resulted in a classification of benign for this disease.

Eurofins Ntd Llc (ga)
Classification: Uncertain significance. Last evaluated: 2015-10-09. Review status: criteria provided, single submitter. Criteria: EGL Classification Definitions 2015. Collection method: clinical testing. Allele origin: germline. Observed: 1 variant allele, 1 heterozygote.